The following is an entry in ClinVar:

NM_003242.6(TGFBR2):c.1579G>C (p.Ala527Pro)

Gene: TGFBR2 (transforming growth factor beta receptor 2; plus strand). Cytogenetic location: 3p24.1.
Variant type: single nucleotide variant.
Coding change: c.1579G>C on transcript NM_003242.6 (MANE Select); coding-DNA position 1579, G replaced by C.
Protein change: p.Ala527Pro; replaces alanine 527 with proline.
Molecular consequence: missense variant.
Genome position (GRCh38, 1-based): chr3:30,691,474, G>C. VCF-style: chr3-30691474-G-C. GRCh37 (hg19) VCF-style: chr3-30732966-G-C.
Other names: c.1654G>C, p.Ala552Pro (NM_001024847.3); c.1762G>C, p.Ala588Pro (NM_001407126.1); c.1687G>C, p.Ala563Pro (NM_001407127.1); c.1606G>C, p.Ala536Pro (NM_001407128.1); c.1582G>C, p.Ala528Pro (NM_001407129.1); c.1576G>C, p.Ala526Pro (NM_001407130.1); c.1474G>C, p.Ala492Pro (NM_001407132.1, NM_001407133.1, NM_001407134.1 and 2 more transcripts); c.1294G>C, p.Ala432Pro (NM_001407137.1); and 2 more; short protein forms A237P, A407P, A432P, A492P, A526P, A527P, A528P, A536P.
Identifiers: ClinVar variation 4801616 (VCV004801616.1).

ClinVar aggregate classification (germline): Likely pathogenic (1 of 4 stars; one submission).

Conditions:
Familial thoracic aortic aneurysm and aortic dissection (TAAD). Also called: Thoracic aortic aneurysms and dissections. Identifiers: Orphanet 91387, MedGen C4707243, MONDO:0019625.

Submission:

Labcorp Genetics (formerly Invitae), Labcorp
Classification: Likely pathogenic for Familial thoracic aortic aneurysm and aortic dissection. Last evaluated: 2025-05-04. Review status: criteria provided, single submitter. Criteria: Invitae Variant Classification Sherloc (09022015). Collection method: clinical testing. Allele origin: germline.
Comment: This sequence change replaces alanine, which is neutral and non-polar, with proline, which is neutral and non-polar, at codon 527 of the TGFBR2 protein (p.Ala527Pro). This variant is not present in population databases (gnomAD no frequency). This variant has not been reported in the literature in individuals affected with TGFBR2-related conditions. Invitae Evidence Modeling of protein sequence and biophysical properties (such as structural, functional, and spatial information, amino acid conservation, physicochemical variation, residue mobility, and thermodynamic stability) indicates that this missense variant is expected to disrupt TGFBR2 protein function with a positive predictive value of 95%. This variant disrupts the p.Ala527 amino acid residue in TGFBR2. Other variant(s) that disrupt this residue have been determined to be pathogenic (PMID: 16928994, 18852674; internal data). This suggests that this residue is clinically significant, and that variants that disrupt this residue are likely to be disease-causing. In summary, the currently available evidence indicates that the variant is pathogenic, but additional data are needed to prove that conclusively. Therefore, this variant has been classified as Likely Pathogenic.

Literature cited by the submitters: PubMed 16928994; PubMed 18852674.